The following is an entry in ClinVar:

NM_001365536.1(SCN9A):c.2480A>T (p.Asp827Val)

Genes: SCN1A-AS1 (SCN1A and SCN9A antisense RNA 1; plus strand), SCN9A (sodium voltage-gated channel alpha subunit 9; minus strand). Cytogenetic location: 2q24.3.
Variant type: single nucleotide variant.
Coding change: c.2480A>T on transcript NM_001365536.1 (MANE Select); coding-DNA position 2480, A replaced by T.
Protein change: p.Asp827Val; replaces aspartic acid 827 with valine.
Molecular consequence: missense variant.
Genome position (GRCh38, 1-based): chr2:166,278,177, T>A on the plus strand (A>T on the coding strand, the complement: SCN9A is on the minus strand). VCF-style: chr2-166278177-T-A. GRCh37 (hg19) VCF-style: chr2-167134687-T-A.
Other names: c.2447A>T, p.Asp816Val (NM_002977.4); short protein forms D816V, D827V.
Identifiers: ClinVar variation 3756191 (VCV003756191.2).

ClinVar aggregate classification (germline): Uncertain significance (1 of 4 stars; one submission).

Conditions:
Neuropathy, hereditary sensory and autonomic, type 2A (HSAN2A). Also called: MORVAN DISEASE; NEUROPATHY, CONGENITAL SENSORY; NEUROPATHY, HEREDITARY SENSORY RADICULAR, AUTOSOMAL RECESSIVE; NEUROPATHY, HEREDITARY SENSORY, TYPE IIA; NEUROPATHY, PROGRESSIVE SENSORY, OF CHILDREN; ACROOSTEOLYSIS, GIACCAI TYPE. Identifiers: Orphanet 970, MedGen C2752089, MONDO:0024309, OMIM 201300.
Generalized epilepsy with febrile seizures plus, type 7 (GEFSP7). Also called: GEFS+, TYPE 7. Identifiers: Orphanet 36387, MedGen C2751778, MONDO:0013470, OMIM 613863.

Submission:

Labcorp Genetics (formerly Invitae), Labcorp
Classification: Uncertain significance for Neuropathy, hereditary sensory and autonomic, type 2A; Generalized epilepsy with febrile seizures plus, type 7. Last evaluated: 2024-05-05. Review status: criteria provided, single submitter. Criteria: Invitae Variant Classification Sherloc (09022015). Collection method: clinical testing. Allele origin: germline.
Comment: This sequence change replaces aspartic acid, which is acidic and polar, with valine, which is neutral and non-polar, at codon 816 of the SCN9A protein (p.Asp816Val). This variant is not present in population databases (gnomAD no frequency). This variant has not been reported in the literature in individuals affected with SCN9A-related conditions. Advanced modeling of protein sequence and biophysical properties (such as structural, functional, and spatial information, amino acid conservation, physicochemical variation, residue mobility, and thermodynamic stability) performed at Invitae indicates that this missense variant is not expected to disrupt SCN9A protein function with a negative predictive value of 95%. In summary, the available evidence is currently insufficient to determine the role of this variant in disease. Therefore, it has been classified as a Variant of Uncertain Significance.